The following is an entry in ClinVar:

NM_001105206.3(LAMA4):c.583C>T (p.Pro195Ser)

Gene: LAMA4 (laminin subunit alpha 4; minus strand). Cytogenetic location: 6q21.
Variant type: single nucleotide variant.
Coding change: c.583C>T on transcript NM_001105206.3 (MANE Select); coding-DNA position 583, C replaced by T.
Protein change: p.Pro195Ser; replaces proline 195 with serine.
Molecular consequence: missense variant.
Genome position (GRCh38, 1-based): chr6:112,191,771, G>A on the plus strand (C>T on the coding strand, the complement: LAMA4 is on the minus strand). VCF-style: chr6-112191771-G-A. GRCh37 (hg19) VCF-style: chr6-112512973-G-A.
Other names: c.583C>T, p.Pro195Ser (NM_001105207.3, NM_002290.5); short protein forms P195S.
Identifiers: ClinVar variation 3866208 (VCV003866208.1).

ClinVar aggregate classification (germline): Uncertain significance (1 of 4 stars; one submission).

Conditions:
Cardiovascular phenotype. Identifiers: MedGen CN230736.

gnomAD v4.1: 1 of 1,614,128 alleles (0.000062%); highest among the groups gnomAD compares: Non-Finnish European, 0.000085%; no homozygotes.

Submission:

Ambry Genetics
Classification: Uncertain significance for Cardiovascular phenotype. Last evaluated: 2025-01-10. Review status: criteria provided, single submitter. Criteria: Ambry Variant Classification Scheme 2023. Collection method: clinical testing. Allele origin: germline.
Comment: The p.P195S variant (also known as c.583C>T), located in coding exon 5 of the LAMA4 gene, results from a C to T substitution at nucleotide position 583. The proline at codon 195 is replaced by serine, an amino acid with similar properties. This amino acid position is conserved. In addition, the in silico prediction for this alteration is inconclusive. Based on the available evidence, the clinical significance of this variant remains unclear.